The following is an entry in ClinVar:

ClinVar aggregate classification (germline): Likely benign (0 of 4 stars; one submission).

Conditions:
CELSR3-related disorder. Also called: CELSR3-related condition.

Allele frequency attached by ClinVar (database versions not stated): gnomAD exomes 0.00001.
gnomAD v4.1: 3 of 1,611,178 alleles (0.00019%); highest among the groups gnomAD compares: Admixed American, 0.0017%; no homozygotes.

Submission:

PreventionGenetics, part of Exact Sciences
Classification: Likely benign for CELSR3-related condition. Last evaluated: 2019-07-09. Review status: no assertion criteria provided. Collection method: clinical testing. Allele origin: germline.
Comment: This variant is classified as likely benign based on ACMG/AMP sequence variant interpretation guidelines (Richards et al. 2015 PMID: 25741868, with internal and published modifications).

NM_001407.3(CELSR3):c.6342C>T (p.Phe2114=)

Gene: CELSR3 (cadherin EGF LAG seven-pass G-type receptor 3; minus strand). Cytogenetic location: 3p21.31.
Variant type: single nucleotide variant.
Coding change: c.6342C>T on transcript NM_001407.3 (MANE Select); coding-DNA position 6342, C replaced by T.
Protein change: p.Phe2114=; no amino-acid change (phenylalanine 2114 retained).
Molecular consequence: synonymous variant.
Genome position (GRCh38, 1-based): chr3:48,650,920, G>A on the plus strand (C>T on the coding strand, the complement: CELSR3 is on the minus strand). VCF-style: chr3-48650920-G-A. GRCh37 (hg19) VCF-style: chr3-48688353-G-A.
Identifiers: ClinVar variation 3050563 (VCV003050563.2), dbSNP rs868152619, ClinGen allele CA74007944.